The following is an entry in ClinVar:

ClinVar aggregate classification (germline): Uncertain significance (1 of 4 stars; one submission).

Submission:

Labcorp Genetics (formerly Invitae), Labcorp
Classification: Uncertain significance. Last evaluated: 2024-05-21. Review status: criteria provided, single submitter. Criteria: Invitae Variant Classification Sherloc (09022015). Collection method: clinical testing. Allele origin: germline.
Comment: This sequence change replaces threonine, which is neutral and polar, with serine, which is neutral and polar, at codon 857 of the WFS1 protein (p.Thr857Ser). This variant is not present in population databases (gnomAD no frequency). This variant has not been reported in the literature in individuals affected with WFS1-related conditions. Advanced modeling of protein sequence and biophysical properties (such as structural, functional, and spatial information, amino acid conservation, physicochemical variation, residue mobility, and thermodynamic stability) performed at Invitae indicates that this missense variant is not expected to disrupt WFS1 protein function with a negative predictive value of 95%. In summary, the available evidence is currently insufficient to determine the role of this variant in disease. Therefore, it has been classified as a Variant of Uncertain Significance.

NM_006005.3(WFS1):c.2570C>G (p.Thr857Ser)

Gene: WFS1 (wolframin ER transmembrane glycoprotein; plus strand). Cytogenetic location: 4p16.1.
Variant type: single nucleotide variant.
Coding change: c.2570C>G on transcript NM_006005.3 (MANE Select); coding-DNA position 2570, C replaced by G.
Protein change: p.Thr857Ser; replaces threonine 857 with serine.
Molecular consequence: missense variant.
Genome position (GRCh38, 1-based): chr4:6,302,365, C>G. VCF-style: chr4-6302365-C-G. GRCh37 (hg19) VCF-style: chr4-6304092-C-G.
Other names: c.2570C>G, p.Thr857Ser (NM_001145853.1); short protein forms T857S.
Identifiers: ClinVar variation 3676028 (VCV003676028.2).
Genomic context (GRCh38, chr4:6,302,365, plus strand): 5'-GGCCTGTCTTCGAGCTCAAGGCCATCAGCTGCCTCAACTGCATGGCCCAGCTCTCACCCA[C>G]CAGGCGGCACGTGAAGATCGAGCACGACTGGCGCAGCACCGTGCATGGCGCCGTGAAGTT-3'
Protein context (NP_005996.2, residues 847-867): CLNCMAQLSP[Thr857Ser]RRHVKIEHDW